The following is an entry in ClinVar:

ClinVar aggregate classification (germline): Pathogenic. Review status: criteria provided, multiple submitters, no conflicts (2 of 4 stars). 4 submissions from 4 submitters: Pathogenic (2). 2 of the submissions do not count toward it. Last evaluated 2024-10-04.

Conditions:
Cardiovascular phenotype. Identifiers: MedGen CN230736.
Marfan syndrome (MFS). Also called: MARFAN SYNDROME, TYPE I; FBN1-Related Marfan Syndrome; Marfan syndrome, classic; Marfan syndrome type 1; Marfan's syndrome. Identifiers: Orphanet 284963, Orphanet 558, MedGen C0024796, MONDO:0007947, OMIM 154700.
FBN1-related disorder. Also called: FBN1-related disorders.

Submissions (4):

Blueprint Genetics
Classification: Pathogenic for FBN1-related disorders. Last evaluated: 2024-10-04. Review status: criteria provided, single submitter. Criteria: ACMG Guidelines, 2015. Collection method: clinical testing. Allele origin: germline. Affected: yes. Observed: 1 variant allele.

Ambry Genetics
Classification: Pathogenic for Cardiovascular phenotype. Last evaluated: 2012-11-08. Review status: criteria provided, single submitter. Criteria: Ambry Autosomal Dominant and X-Linked criteria (10/2015). Collection method: clinical testing. Allele origin: germline. Observed: 1 variant allele.

deCODE genetics, Amgen
Classification: Likely pathogenic for Marfan syndrome. Last evaluated: 2023-07-21. Review status: no assertion criteria provided. Collection method: research. Allele origin: germline. Affected: yes. Observed: 1 variant allele. Not counted in ClinVar's aggregate classification.
Comment: The variant NM_000138.5:c.8149G>T (chr15:48412646) in FBN1 was detected in 1 heterozygote out of 58K WGS Icelanders (MAF= 0,001%). This variant has been reported in ClinVar previously as pathogenic. Based on ACMG criteria (PVS1, PM2) this variant classifies as likely pathogenic.

Center for Medical Genetics Ghent, University of Ghent
Classification: Pathogenic for Marfan syndrome. Last evaluated: 2017-11-07. Review status: no assertion criteria provided. Collection method: clinical testing. Allele origin: germline. Affected: yes. Not counted in ClinVar's aggregate classification.

NM_000138.5(FBN1):c.8149G>T (p.Glu2717Ter)

Gene: FBN1 (fibrillin 1; minus strand). Cytogenetic location: 15q21.1.
Variant type: single nucleotide variant.
Coding change: c.8149G>T on transcript NM_000138.5 (MANE Select); coding-DNA position 8149, G replaced by T.
Protein change: p.Glu2717Ter; replaces glutamic acid 2717 with a stop codon.
Molecular consequence: nonsense.
Genome position (GRCh38, 1-based): chr15:48,412,646, C>A on the plus strand (G>T on the coding strand, the complement: FBN1 is on the minus strand). VCF-style: chr15-48412646-C-A. GRCh37 (hg19) VCF-style: chr15-48704843-C-A.
Other names: short protein forms E2717*.
Identifiers: ClinVar variation 263433 (VCV000263433.20), dbSNP rs187553035, ClinGen allele CA10587785.
Genomic context (GRCh38, chr15:48,412,646, plus strand): 5'-CAGTTTCGTTTGTGCTTCTCCGTTTCCTGCCCCGTTTGGGGTAGCCATTGATCTTACACT[C>A]GTAACAAGCCTCTGGGGAGAGTGAATTGTCATCCATTTCACCACTGACAGGTGGCTCTGG-3'